The following is an entry in ClinVar:

ClinVar aggregate classification (germline): Uncertain significance (1 of 4 stars; one submission).

Conditions:
Leber congenital amaurosis 3 (LCA3). Also called: SPATA7-Related Retinitis Pigmentosa. Identifiers: MedGen C1858677, MONDO:0011415, OMIM 604232.

Submission:

Labcorp Genetics (formerly Invitae), Labcorp
Classification: Uncertain significance for Leber congenital amaurosis 3. Last evaluated: 2022-02-04. Review status: criteria provided, single submitter. Criteria: Invitae Variant Classification Sherloc (09022015). Collection method: clinical testing. Allele origin: germline.
Comment: This variant is not present in population databases (gnomAD no frequency). This sequence change replaces glutamic acid, which is acidic and polar, with valine, which is neutral and non-polar, at codon 99 of the SPATA7 protein (p.Glu99Val). This variant has not been reported in the literature in individuals affected with SPATA7-related conditions. ClinVar contains an entry for this variant (Variation ID: 1045517). Algorithms developed to predict the effect of missense changes on protein structure and function are either unavailable or do not agree on the potential impact of this missense change (SIFT: "Deleterious"; PolyPhen-2: "Possibly Damaging"; Align-GVGD: "Class C0"). In summary, the available evidence is currently insufficient to determine the role of this variant in disease. Therefore, it has been classified as a Variant of Uncertain Significance.

NM_018418.5(SPATA7):c.296A>T (p.Glu99Val)

Gene: SPATA7 (spermatogenesis associated 7; plus strand). Cytogenetic location: 14q31.3.
Variant type: single nucleotide variant.
Coding change: c.296A>T on transcript NM_018418.5 (MANE Select); coding-DNA position 296, A replaced by T.
Protein change: p.Glu99Val; replaces glutamic acid 99 with valine.
Molecular consequence: missense variant.
Genome position (GRCh38, 1-based): chr14:88,416,768, A>T. VCF-style: chr14-88416768-A-T. GRCh37 (hg19) VCF-style: chr14-88883112-A-T.
Other names: c.200A>T, p.Glu67Val (NM_001040428.4); short protein forms E67V, E99V.
Identifiers: ClinVar variation 1045517 (VCV001045517.8), dbSNP rs2076489402, ClinGen allele CA390556439.